The following is an entry in ClinVar:

ClinVar aggregate classification (germline): Conflicting classifications of pathogenicity. Review status: criteria provided, conflicting classifications (1 of 4 stars). 7 submissions from 7 submitters: Uncertain significance (6); Likely benign (1). Last evaluated 2026-05-12.

Conditions:
Arrhythmogenic right ventricular dysplasia 2. Identifiers: MedGen C1832931.
Catecholaminergic polymorphic ventricular tachycardia (CVPT). Also called: Catecholamine-induced polymorphic ventricular tachycardia. Identifiers: Orphanet 3286, MedGen C5574922, MONDO:0017990.
Cardiomyopathy (CMYO). Also called: Cardiomyopathies. Identifiers: Orphanet 167848, MedGen C0878544, MONDO:0004994, HP:0001638. Inheritance: Various modes of inheritance.
Catecholaminergic polymorphic ventricular tachycardia 1. Also called: RYR2-Related Catecholaminergic Polymorphic Ventricular Tachycardia; VENTRICULAR TACHYCARDIA, STRESS-INDUCED POLYMORPHIC 1; VENTRICULAR TACHYCARDIA, CATECHOLAMINERGIC POLYMORPHIC, 1, WITH OR WITHOUT ATRIAL DYSFUNCTION AND/OR DILATED CARDIOMYOPATHY. Identifiers: Orphanet 3286, MedGen C1631597, MONDO:0011484, OMIM 604772.
Cardiovascular phenotype. Identifiers: MedGen CN230736.

Allele frequency attached by ClinVar (database versions not stated): gnomAD exomes 0.00001 and 0.00002; TOPMed 0.00002; ExAC 0.00003; gnomAD 0.00003.
gnomAD v4.1: 18 of 1,599,152 alleles (0.0011%); highest among the groups gnomAD compares: Admixed American, 0.0034%; no homozygotes.

Submissions (7):

Women's Health and Genetics/Laboratory Corporation of America, LabCorp
Classification: Uncertain significance. Last evaluated: 2026-05-12. Review status: criteria provided, single submitter. Criteria: LabCorp Variant Classification Summary - May 2015. Collection method: clinical testing. Allele origin: germline.
Comment: Variant summary: RYR2 c.6772C>T (p.Arg2258Cys) results in a non-conservative amino acid change in the encoded protein sequence. Algorithms developed to predict the effect of missense changes on protein structure and function all suggest that this variant is likely to be disruptive. The variant allele was found at a frequency of 1.7e-05 in 231530 control chromosomes. The available data on variant occurrences in the general population are insufficient to allow any conclusion about variant significance. c.6772C>T has been observed in individual(s) affected with Catecholaminergic Polymorphic Ventricular Tachycardia or dilated cardiomyopathy, both without strong evidence for causality (e.g. Tobita_2018, Landstrom_2017). These report(s) do not provide unequivocal conclusions about association of the variant with Catecholaminergic Polymorphic Ventricular Tachycardia. To our knowledge, no experimental evidence demonstrating an impact on protein function has been reported. The following publications have been ascertained in the context of this evaluation (PMID: 28404607, 29386531). ClinVar contains an entry for this variant (Variation ID: 926036). Based on the evidence outlined above, the variant was classified as uncertain significance.

Labcorp Genetics (formerly Invitae), Labcorp
Classification: Uncertain significance for Catecholaminergic polymorphic ventricular tachycardia 1. Last evaluated: 2025-12-23. Review status: criteria provided, single submitter. Criteria: Invitae Variant Classification Sherloc (09022015). Collection method: clinical testing. Allele origin: germline.
Comment: This sequence change replaces arginine, which is basic and polar, with cysteine, which is neutral and slightly polar, at codon 2258 of the RYR2 protein (p.Arg2258Cys). The frequency data for this variant in the population databases is considered unreliable, as metrics indicate poor data quality at this position in the gnomAD database. This variant has not been reported in the literature in individuals affected with RYR2-related conditions. ClinVar contains an entry for this variant (Variation ID: 926036). Invitae Evidence Modeling of protein sequence and biophysical properties (such as structural, functional, and spatial information, amino acid conservation, physicochemical variation, residue mobility, and thermodynamic stability) has been performed for this missense variant. However, the output from this modeling did not meet the statistical confidence thresholds required to predict the impact of this variant on RYR2 protein function. In summary, the available evidence is currently insufficient to determine the role of this variant in disease. Therefore, it has been classified as a Variant of Uncertain Significance.

All of Us Research Program, National Institutes of Health
Classification: Uncertain significance for Catecholaminergic polymorphic ventricular tachycardia. Last evaluated: 2024-08-13. Review status: criteria provided, single submitter. Criteria: ACMG Guidelines, 2015. Collection method: clinical testing. Allele origin: germline. Inheritance: Autosomal dominant inheritance. Observed: 6 variant alleles, 6 heterozygotes.
Comment: This variant replaces arginine with cysteine at codon 2258 of the RYR2 protein. Computational prediction suggests that this variant may have deleterious impact on protein structure and function (internally defined REVEL score threshold >= 0.7, PMID: 27666373). To our knowledge, functional studies have not been reported for this variant. This variant has not been reported in individuals affected with cardiovascular disorders in the literature. This variant has been identified in 4/231530 chromosomes in the general population by the Genome Aggregation Database (gnomAD). The available evidence is insufficient to determine the role of this variant in disease conclusively. Therefore, this variant is classified as a Variant of Uncertain Significance.

This study involves interpretation of variants in research participants for the purpose of population health screening. Participant phenotype was not available at the time of variant classification. Additional details can be found in publication PMID: 35346344, PMCID: PMC8962531

Color Diagnostics, LLC DBA Color Health
Classification: Uncertain significance for Cardiomyopathy. Last evaluated: 2024-07-26. Review status: criteria provided, single submitter. Criteria: ACMG Guidelines, 2015. Collection method: clinical testing. Allele origin: germline.
Comment: This variant replaces arginine with cysteine at codon 2258 of the RYR2 protein. Computational prediction suggests that this variant may have deleterious impact on protein structure and function. To our knowledge, functional studies have not been reported for this variant. This variant has not been reported in individuals affected with cardiovascular disorders in the literature. This variant has been identified in 4/231530 chromosomes in the general population by the Genome Aggregation Database (gnomAD). The available evidence is insufficient to determine the role of this variant in disease conclusively. Therefore, this variant is classified as a Variant of Uncertain Significance.

Ambry Genetics
Classification: Uncertain significance for Cardiovascular phenotype. Last evaluated: 2023-06-04. Review status: criteria provided, single submitter. Criteria: Ambry Variant Classification Scheme 2023. Collection method: clinical testing. Allele origin: germline.
Comment: The p.R2258C variant (also known as c.6772C>T), located in coding exon 44 of the RYR2 gene, results from a C to T substitution at nucleotide position 6772. The arginine at codon 2258 is replaced by cysteine, an amino acid with highly dissimilar properties. This alteration was reported in a whole exome sequencing cohort (Landstrom AP et al. Circ Arrhythm Electrophysiol, 2017 Apr;10:). This amino acid position is well conserved in available vertebrate species. In addition, this alteration is predicted to be deleterious by in silico analysis. Since supporting evidence is limited at this time, the clinical significance of this alteration remains unclear.

Blueprint Genetics
Classification: Likely benign. Last evaluated: 2023-04-10. Review status: criteria provided, single submitter. Criteria: ACMG Guidelines, 2015. Collection method: clinical testing. Allele origin: germline.

MGZ Medical Genetics Center
Classification: Uncertain significance for Catecholaminergic polymorphic ventricular tachycardia 1. Last evaluated: 2022-02-18. Review status: criteria provided, single submitter. Criteria: ACMG Guidelines, 2015. Collection method: clinical testing. Allele origin: germline. Affected: yes. Observed: 1 variant allele.
Comment: ACMG criteria applied: PM2_SUP, PP3

Literature cited by the submitters: PubMed 28404607 (cited by Women's Health and Genetics/Laboratory Corporation of America, LabCorp and Ambry Genetics); PubMed 29386531 (cited by Women's Health and Genetics/Laboratory Corporation of America, LabCorp).

NM_001035.3(RYR2):c.6772C>T (p.Arg2258Cys)

Gene: RYR2 (ryanodine receptor 2; plus strand). Cytogenetic location: 1q43.
Variant type: single nucleotide variant.
Coding change: c.6772C>T on transcript NM_001035.3 (MANE Select); coding-DNA position 6772, C replaced by T.
Protein change: p.Arg2258Cys; replaces arginine 2258 with cysteine.
Molecular consequence: missense variant.
Genome position (GRCh38, 1-based): chr1:237,634,972, C>T. VCF-style: chr1-237634972-C-T. GRCh37 (hg19) VCF-style: chr1-237798272-C-T.
Other names: c.6772C>T (NM_001035.2); short protein forms R2258C.
Identifiers: ClinVar variation 926036 (VCV000926036.19), dbSNP rs757350594, ClinGen allele CA087204.
Genomic context (GRCh38, chr1:237,634,972, plus strand): 5'-ACACCACTGGATGTGGCTGCAGCTTCGGTGATGGATAATAATGAACTAGCATTAGCTCTG[C>T]GTGAGCCGGATCTAGAAAAGGTGAGCAATGTTCCTGCCCTGTGTGTTTGTCTGAATTATG-3'
Protein context (NP_001026.2, residues 2248-2268): MDNNELALAL[Arg2258Cys]EPDLEKVVRY